The following is an entry in ClinVar:

ClinVar aggregate classification (germline): Conflicting classifications of pathogenicity. Review status: criteria provided, conflicting classifications (1 of 4 stars). 2 submissions from 2 submitters: Pathogenic (1); Uncertain significance (1). Last evaluated 2026-05-28.

Conditions:
Colorectal cancer, hereditary nonpolyposis, type 7. Identifiers: Orphanet 144, MedGen C1858380, MONDO:0013725, OMIM 614385.

Submissions (2):

Ambry Genetics
Classification: Pathogenic. Last evaluated: 2026-05-28. Review status: criteria provided, single submitter. Criteria: Ambry Variant Classification Scheme 2023. Collection method: clinical testing. Allele origin: germline.
Comment: The c.2902delA pathogenic mutation, located in coding exon 1 of the MLH3 gene, results from a deletion of one nucleotide at nucleotide position 2902, causing a translational frameshift with a predicted alternate stop codon (p.T968Lfs*28). This variant is considered to be rare based on population cohorts in the Genome Aggregation Database (gnomAD). This alteration is expected to result in loss of function by premature protein truncation or nonsense-mediated mRNA decay. As such, this alteration is interpreted as a disease-causing mutation.

Labcorp Genetics (formerly Invitae), Labcorp
Classification: Uncertain significance for Colorectal cancer, hereditary nonpolyposis, type 7. Last evaluated: 2025-09-10. Review status: criteria provided, single submitter. Criteria: Invitae Variant Classification Sherloc (09022015). Collection method: clinical testing. Allele origin: germline.
Comment: This sequence change creates a premature translational stop signal (p.Thr968Leufs*28) in the MLH3 gene. It is expected to result in an absent or disrupted protein product. However, the current clinical and genetic evidence is not sufficient to establish whether loss-of-function variants in MLH3 cause disease. This variant is present in population databases (rs780017030, gnomAD 0.0009%). This variant has not been reported in the literature in individuals affected with MLH3-related conditions. ClinVar contains an entry for this variant (Variation ID: 1399727). In summary, the available evidence is currently insufficient to determine the role of this variant in disease. Therefore, it has been classified as a Variant of Uncertain Significance.

NM_001040108.2(MLH3):c.2902del (p.Thr968fs)

Gene: MLH3 (mutL homolog 3; minus strand). Cytogenetic location: 14q24.3.
Variant type: Deletion.
Coding change: c.2902del on transcript NM_001040108.2 (MANE Select); coding-DNA position 2902, one base deleted (A; older notation c.2902delA).
Protein change: p.Thr968fs; shifts the reading frame from threonine 968.
Molecular consequence: frameshift variant.
Genome position (GRCh38, 1-based): chr14:75,046,754, T deleted on the plus strand (A on the coding strand, the reverse complement: MLH3 is on the minus strand); the first of 3 consecutive T bases (chr14:75,046,754-75,046,756); deleting any one gives the same sequence. VCF-style (leftmost placement, unchanged base first): chr14-75046753-GT-G. GRCh37 (hg19) VCF-style: chr14-75513456-GT-G.
Other names: c.2902del, p.Thr968fs (NM_014381.3); short protein forms T968fs.
Identifiers: ClinVar variation 1399727 (VCV001399727.9), dbSNP rs780017030, ClinGen allele CA7275621.